The following is an entry in ClinVar:

ClinVar aggregate classification (germline): Benign. Review status: reviewed by expert panel (3 of 4 stars). 12 submissions from 12 submitters: Benign (1). 11 of the submissions do not count toward it. Last evaluated 2025-05-20.

Conditions:
RPGR-related retinopathy. Also called: RPGR retinopathy. Identifiers: MedGen CN305589, MONDO:0100437.
Retinal dystrophy. Also called: Inherited retinal dystrophy. Identifiers: Orphanet 71862, MedGen C0854723, MeSH D058499, MONDO:0019118, HP:0000556.
Primary ciliary dyskinesia. Also called: Ciliary dyskinesia. Identifiers: Orphanet 244, MedGen C0008780, MONDO:0016575, HP:0012265.

Allele frequency attached by ClinVar (database versions not stated): ESP Exome Variant Server 0.09052; gnomAD 0.09526; TOPMed 0.10581; gnomAD exomes 0.06342 and 0.10195; 1000 Genomes Project 0.12954; ExAC 0.09998; 1000 Genomes Project 30x 0.13028.
gnomAD v4.1: 80,417 of 1,208,776 alleles (6.7%); highest among the groups gnomAD compares: Admixed American, 20%; 2,734 homozygotes.

Submissions (12):

ClinGen X-linked Inherited Retinal Disease Variant Curation Expert Panel, ClinGen
Classification: Benign for RPGR-related retinopathy. Last evaluated: 2025-05-20. Review status: reviewed by expert panel. Criteria: ClinGen X LinkedIRD ACMG Specifications RPGR V1.0.0. Collection method: curation. Allele origin: germline. Inheritance: X-linked inheritance.
Comment: The NM_001034853.2(RPGR):c.1697G>A (p.Gly566Glu) variant is a missense variant encoding the substitution of Glycine with Glutamic acid at amino acid 566. This variant is present in gnomAD v.4.1.0 at a frequency of 0.06732 among hemizygous individuals, with 26691 variant alleles / 396470 total alleles, which is higher than the ClinGen X-linked IRD VCEP BA1 threshold of >0.00005 (BA1). This variant was shown to have normal protein function and localization (PMID: 30622176). The computational predictor REVEL gives a score of 0.063, which is below the ClinGen X-linked IRD VCEP threshold of < 0.183 and predicts a non-damaging effect on RPGR function. Additionally, the splicing impact predictor SpliceAI gives a delta score of 0.05, which is below the ClinGen X-linked IRD VCEP recommended threshold of <0.1 and does not strongly predict an impact on splicing (BP4_moderate).In summary, this variant is classified as likely benign for RPGR-related retinopathy based on the ClinGen X-linked Inherited Retinal Disease Expert Panel Specifications to the ACMG/AMP Variant Interpretation Guidelines for RPGR Version 1.0.0: BA1 and BP4_moderate (date of approval 05/15/2025).

Labcorp Genetics (formerly Invitae), Labcorp
Classification: Benign for Primary ciliary dyskinesia. Last evaluated: 2026-02-04. Review status: criteria provided, single submitter. Criteria: Invitae Variant Classification Sherloc (09022015). Collection method: clinical testing. Allele origin: germline. Not counted in ClinVar's aggregate classification.

Women's Health and Genetics/Laboratory Corporation of America, LabCorp
Classification: Likely benign. Last evaluated: 2024-01-11. Review status: criteria provided, single submitter. Criteria: LabCorp Variant Classification Summary - May 2015. Collection method: clinical testing. Allele origin: germline. Not counted in ClinVar's aggregate classification.

Dept Of Ophthalmology, Nagoya University
Classification: Benign for Retinal dystrophy. Last evaluated: 2023-10-01. Review status: criteria provided, single submitter. Criteria: Submitter's publication. Collection method: research. Allele origin: germline. Affected: yes. Not counted in ClinVar's aggregate classification.

Mayo Clinic Laboratories, Mayo Clinic
Classification: Benign. Last evaluated: 2022-04-26. Review status: criteria provided, single submitter. Criteria: ACMG Guidelines, 2015. Collection method: clinical testing. Allele origin: germline. Observed: 16 variant alleles. Not counted in ClinVar's aggregate classification.

GeneDx
Classification: Benign. Last evaluated: 2018-07-09. Review status: criteria provided, single submitter. Criteria: GeneDx Variant Classification Process June 2021. Collection method: clinical testing. Allele origin: germline. Affected: yes. Not counted in ClinVar's aggregate classification.

Laboratory for Molecular Medicine, Mass General Brigham Personalized Medicine
Classification: Benign. Last evaluated: 2015-01-13. Review status: criteria provided, single submitter. Criteria: LMM Criteria. Collection method: clinical testing. Allele origin: germline. Observed: 4 variant alleles. Not counted in ClinVar's aggregate classification.
Comment: p.Gly566Glu in exon 14 of RPGR: This variant is not expected to have clinical si gnificance because it has been identified in 16.0% (614/3833) of African America n chromosomes from a broad population by the NHLBI Exome Sequencing Project (dbSNP rs1801688).

Ambry Genetics
Classification: Benign for Primary ciliary dyskinesia. Last evaluated: 2014-12-26. Review status: criteria provided, single submitter. Criteria: Ambry Variant Classification Scheme 2023. Collection method: clinical testing. Allele origin: germline. Not counted in ClinVar's aggregate classification.

Eurofins Ntd Llc (ga)
Classification: Benign. Last evaluated: 2013-10-03. Review status: criteria provided, single submitter. Criteria: EGL Classification Definitions 2015. Collection method: clinical testing. Allele origin: germline. Observed: 2 variant alleles, 2 heterozygotes. Not counted in ClinVar's aggregate classification.

Breakthrough Genomics
Classification: Benign. Review status: criteria provided, single submitter. Criteria: ACMG Guidelines, 2015. Collection method: not provided. Allele origin: germline. Inheritance: X-linked inheritance. Affected: yes. Not counted in ClinVar's aggregate classification.

PreventionGenetics, part of Exact Sciences
Classification: Benign. Review status: criteria provided, single submitter. Criteria: ACMG Guidelines, 2015. Collection method: clinical testing. Allele origin: germline. Not counted in ClinVar's aggregate classification.

Retina International
No classification provided. Review status: no classification provided. Collection method: not provided. Allele origin: unknown. Not counted in ClinVar's aggregate classification.

NM_001034853.2(RPGR):c.1697G>A (p.Gly566Glu)

Gene: RPGR (retinitis pigmentosa GTPase regulator; minus strand). Cytogenetic location: Xp11.4.
Variant type: single nucleotide variant.
Coding change: c.1697G>A on transcript NM_001034853.2 (MANE Select); coding-DNA position 1697, G replaced by A.
Protein change: p.Gly566Glu; replaces glycine 566 with glutamic acid.
Molecular consequence: missense variant. On other transcripts: non-coding transcript variant (1), intron variant (5).
Genome position (GRCh38, 1-based): chrX:38,287,917, C>T on the plus strand (G>A on the coding strand, the complement: RPGR is on the minus strand). VCF-style: chrX-38287917-C-T. GRCh37 (hg19) VCF-style: chrX-38147170-C-T.
Other names: NM_001034853.2(RPGR):c.1697G>A; c.1697G>A, p.Gly566Glu (NM_000328.3); c.1694G>A, p.Gly565Glu (NM_001367245.1); c.1511G>A, p.Gly504Glu (NM_001367246.1); c.1569+3042G>A (NM_001367249.1, NM_001367250.1); c.1386+3042G>A (NM_001367251.1); c.1572+3042G>A (NM_001367247.1); c.1602+3042G>A (NM_001367248.1); short protein forms G566E, G504E, G565E.
Identifiers: ClinVar variation 92855 (VCV000092855.27), dbSNP rs1801688, ClinGen allele CA146040.